The following is an entry in ClinVar:

NM_152416.4(NDUFAF6):c.581G>T (p.Gly194Val)

Gene: NDUFAF6 (NADH:ubiquinone oxidoreductase complex assembly factor 6; plus strand). Cytogenetic location: 8q22.1.
Variant type: single nucleotide variant.
Coding change: c.581G>T on transcript NM_152416.4 (MANE Select); coding-DNA position 581, G replaced by T.
Protein change: p.Gly194Val; replaces glycine 194 with valine.
Molecular consequence: missense variant. On other transcripts: non-coding transcript variant (5).
Genome position (GRCh38, 1-based): chr8:95,046,994, G>T. VCF-style: chr8-95046994-G-T. GRCh37 (hg19) VCF-style: chr8-96059222-G-T.
Other names: c.305G>T, p.Gly102Val (NM_001354514.2, NM_001354515.2, NM_001354521.2 and 1 more transcripts); c.425G>T, p.Gly142Val (NM_001354516.2); c.248G>T, p.Gly83Val (NM_001354517.2, NM_001354518.2, NM_001354519.2 and 1 more transcripts); c.125G>T, p.Gly42Val (NM_001354522.2, NM_001354524.2, NM_001354525.2 and 7 more transcripts); short protein forms G102V, G142V, G194V, G42V, G83V.
Identifiers: ClinVar variation 4074381 (VCV004074381.1).

ClinVar aggregate classification (germline): Uncertain significance (1 of 4 stars; one submission).

gnomAD v4.1: 6 of 1,613,934 alleles (0.00037%); highest among the groups gnomAD compares: Admixed American, 0.01%; no homozygotes.

Submission:

GeneDx
Classification: Uncertain significance. Last evaluated: 2025-02-07. Review status: criteria provided, single submitter. Criteria: GeneDx Variant Classification Process June 2021. Collection method: clinical testing. Allele origin: germline. Affected: yes.
Comment: In silico analysis supports that this missense variant has a deleterious effect on protein structure/function; In silico analysis supports a deleterious effect on splicing; Has not been previously published as pathogenic or benign to our knowledge